The following is an entry in ClinVar:

ClinVar aggregate classification (germline): Uncertain significance. Review status: criteria provided, multiple submitters, no conflicts (2 of 4 stars). 3 submissions from 3 submitters: Uncertain significance (3). Last evaluated 2024-06-04.

Conditions:
Joubert syndrome 21 (JBTS21). Identifiers: MedGen C3810212, MONDO:0014288, OMIM 615636.

Allele frequency attached by ClinVar (database versions not stated): gnomAD 0.00003 and 0.00004; gnomAD exomes 0.00009; ExAC 0.00006; TOPMed 0.00005.
gnomAD v4.1: 48 of 1,613,384 alleles (0.003%); highest among the groups gnomAD compares: Admixed American, 0.052%; no homozygotes.

Submissions (3):

Blueprint Genetics
Classification: Uncertain significance. Last evaluated: 2024-06-04. Review status: criteria provided, single submitter. Criteria: ACMG Guidelines, 2015. Collection method: clinical testing. Allele origin: germline.

Labcorp Genetics (formerly Invitae), Labcorp
Classification: Uncertain significance for Joubert syndrome 21. Last evaluated: 2024-01-24. Review status: criteria provided, single submitter. Criteria: Invitae Variant Classification Sherloc (09022015). Collection method: clinical testing. Allele origin: germline.
Comment: This sequence change replaces threonine, which is neutral and polar, with serine, which is neutral and polar, at codon 1005 of the CSPP1 protein (p.Thr1005Ser). This variant is present in population databases (rs750443075, gnomAD 0.07%). This variant has not been reported in the literature in individuals affected with CSPP1-related conditions. ClinVar contains an entry for this variant (Variation ID: 937240). An algorithm developed to predict the effect of missense changes on protein structure and function (PolyPhen-2) suggests that this variant¬†is likely to be tolerated. In summary, the available evidence is currently insufficient to determine the role of this variant in disease. Therefore, it has been classified as a Variant of Uncertain Significance.

GeneDx
Classification: Uncertain significance. Last evaluated: 2022-08-05. Review status: criteria provided, single submitter. Criteria: GeneDx Variant Classification Process June 2021. Collection method: clinical testing. Allele origin: germline. Affected: yes.
Comment: In silico analysis supports that this missense variant does not alter protein structure/function; Has not been previously published as pathogenic or benign to our knowledge

NM_001382391.1(CSPP1):c.3029C>G (p.Thr1010Ser)

Genes: ARFGEF1 (ARF guanine nucleotide exchange factor 1; minus strand), CSPP1 (centrosome and spindle pole associated protein 1; plus strand). Cytogenetic location: 8q13.2.
Variant type: single nucleotide variant.
Coding change: c.3029C>G on transcript NM_001382391.1 (MANE Select); coding-DNA position 3029, C replaced by G.
Protein change: p.Thr1010Ser; replaces threonine 1010 with serine.
Molecular consequence: missense variant. On other transcripts: 3 prime UTR variant (2).
Genome position (GRCh38, 1-based): chr8:67,175,356, C>G. VCF-style: chr8-67175356-C-G. GRCh37 (hg19) VCF-style: chr8-68087591-C-G.
Other names: c.3014C>G, p.Thr1005Ser (NM_001438331.1, NM_024790.7); c.2330C>G, p.Thr777Ser (NM_001438332.1); c.*199G>C (NM_001413186.1, NM_001413187.1); c.1979C>G, p.Thr660Ser (NM_001291339.2); c.2948C>G, p.Thr983Ser (NM_001363131.2); c.2834C>G, p.Thr945Ser (NM_001363132.2); c.2753C>G, p.Thr918Ser (NM_001363133.2); c.3095C>G, p.Thr1032Ser (NM_001364869.1); and 2 more; short protein forms T1005S, T918S, T945S, T1010S, T660S, T1032S, T972S, T983S.
Identifiers: ClinVar variation 937240 (VCV000937240.9), dbSNP rs750443075, ClinGen allele CA4771016.